The following is an entry in ClinVar:

ClinVar aggregate classification (germline): Uncertain significance (1 of 4 stars; one submission).

Allele frequency attached by ClinVar (database versions not stated): gnomAD 0.00001; gnomAD exomes 0.00001; ExAC 0.00002; TOPMed 0.00002.

Submission:

Labcorp Genetics (formerly Invitae), Labcorp
Classification: Uncertain significance. Last evaluated: 2025-09-22. Review status: criteria provided, single submitter. Criteria: Invitae Variant Classification Sherloc (09022015). Collection method: clinical testing. Allele origin: germline.
Comment: This sequence change replaces valine, which is neutral and non-polar, with methionine, which is neutral and non-polar, at codon 406 of the C3 protein (p.Val406Met). This variant is present in population databases (rs773744747, gnomAD 0.006%). This variant has not been reported in the literature in individuals affected with C3-related conditions. ClinVar contains an entry for this variant (Variation ID: 1924800). Invitae Evidence Modeling of protein sequence and biophysical properties (such as structural, functional, and spatial information, amino acid conservation, physicochemical variation, residue mobility, and thermodynamic stability) indicates that this missense variant is not expected to disrupt C3 protein function with a negative predictive value of 80%. In summary, the available evidence is currently insufficient to determine the role of this variant in disease. Therefore, it has been classified as a Variant of Uncertain Significance.

NM_000064.4(C3):c.1216G>A (p.Val406Met)

Gene: C3 (complement C3; minus strand). Cytogenetic location: 19p13.3.
Variant type: single nucleotide variant.
Coding change: c.1216G>A on transcript NM_000064.4 (MANE Select); coding-DNA position 1216, G replaced by A.
Protein change: p.Val406Met; replaces valine 406 with methionine.
Molecular consequence: missense variant.
Genome position (GRCh38, 1-based): chr19:6,712,310, C>T on the plus strand (G>A on the coding strand, the complement: C3 is on the minus strand). VCF-style: chr19-6712310-C-T. GRCh37 (hg19) VCF-style: chr19-6712321-C-T.
Other names: short protein forms V406M.
Identifiers: ClinVar variation 1924800 (VCV001924800.5), dbSNP rs773744747, ClinGen allele CA9129528.